The following is an entry in ClinVar:

ClinVar aggregate classification (germline): Uncertain significance (1 of 4 stars; one submission).

Submission:

Labcorp Genetics (formerly Invitae), Labcorp
Classification: Uncertain significance. Last evaluated: 2024-01-05. Review status: criteria provided, single submitter. Criteria: Invitae Variant Classification Sherloc (09022015). Collection method: clinical testing. Allele origin: germline.
Comment: This sequence change replaces threonine, which is neutral and polar, with alanine, which is neutral and non-polar, at codon 81 of the CHCHD2 protein (p.Thr81Ala). This variant is not present in population databases (gnomAD no frequency). This variant has not been reported in the literature in individuals affected with CHCHD2-related conditions. An algorithm developed to predict the effect of missense changes on protein structure and function (PolyPhen-2) suggests that this variant is likely to be disruptive. In summary, the available evidence is currently insufficient to determine the role of this variant in disease. Therefore, it has been classified as a Variant of Uncertain Significance.

NM_016139.4(CHCHD2):c.241A>G (p.Thr81Ala)

Gene: CHCHD2 (coiled-coil-helix-coiled-coil-helix domain containing 2; minus strand). Cytogenetic location: 7p11.2.
Variant type: single nucleotide variant.
Coding change: c.241A>G on transcript NM_016139.4 (MANE Select); coding-DNA position 241, A replaced by G.
Protein change: p.Thr81Ala; replaces threonine 81 with alanine.
Molecular consequence: missense variant.
Genome position (GRCh38, 1-based): chr7:56,104,285, T>C on the plus strand (A>G on the coding strand, the complement: CHCHD2 is on the minus strand). VCF-style: chr7-56104285-T-C. GRCh37 (hg19) VCF-style: chr7-56171978-T-C.
Other names: c.241A>G, p.Thr81Ala (NM_001320327.2); short protein forms T81A.
Identifiers: ClinVar variation 2764372 (VCV002764372.3), dbSNP rs2535863158, ClinGen allele CA367612715.
Genomic context (GRCh38, chr7:56,104,285, plus strand): 5'-CCTGGTAAGTGATGTCAGGCCTCGCAGGCTCAGCATTACTTCCTCCACTGAAGCCCCCAG[T>C]AATGGCGTGACCCAATGTGTGCCCCACAGCAGAGCCCACAGCCACGCCAGCTGCAGTGGT-3'
Protein context (NP_057223.1, residues 71-91): AVGHTLGHAI[Thr81Ala]GGFSGGSNAE